The following is an entry in ClinVar:

NM_001205293.3(CACNA1E):c.1312G>C (p.Val438Leu)

Gene: CACNA1E (calcium voltage-gated channel subunit alpha1 E; plus strand). Cytogenetic location: 1q25.3.
Variant type: single nucleotide variant.
Coding change: c.1312G>C on transcript NM_001205293.3 (MANE Select); coding-DNA position 1312, G replaced by C.
Protein change: p.Val438Leu; replaces valine 438 with leucine.
Molecular consequence: missense variant.
Genome position (GRCh38, 1-based): chr1:181,716,126, G>C. VCF-style: chr1-181716126-G-C. GRCh37 (hg19) VCF-style: chr1-181685262-G-C.
Other names: c.1312G>C, p.Val438Leu (NM_000721.4, NM_001205294.2); short protein forms V438L.
Identifiers: ClinVar variation 3769376 (VCV003769376.2).

ClinVar aggregate classification (germline): Uncertain significance (1 of 4 stars; one submission).

gnomAD v4.1: 4 of 1,547,552 alleles (0.00026%); highest among the groups gnomAD compares: Non-Finnish European, 0.00035%; no homozygotes.

Submission:

Women's Health and Genetics/Laboratory Corporation of America, LabCorp
Classification: Uncertain significance. Last evaluated: 2025-01-28. Review status: criteria provided, single submitter. Criteria: LabCorp Variant Classification Summary - May 2015. Collection method: clinical testing. Allele origin: germline.
Comment: Variant summary: CACNA1E c.1312G>C (p.Val438Leu) results in a conservative amino acid change in the encoded protein sequence. Three of five in-silico tools predict a benign effect of the variant on protein function. The variant allele was found at a frequency of 5.9e-06 in 169738 control chromosomes. The available data on variant occurrences in the general population are insufficient to allow any conclusion about variant significance. To our knowledge, no occurrence of c.1312G>C in individuals affected with Epileptic Encephalopathy, Early Infantile, 69 and no experimental evidence demonstrating its impact on protein function have been reported. No submitters have cited clinical-significance assessments for this variant to ClinVar. Based on the evidence outlined above, the variant was classified as uncertain significance.